The following is an entry in ClinVar:

NM_006231.4(POLE):c.3089T>G (p.Phe1030Cys)

Gene: POLE (DNA polymerase epsilon, catalytic subunit; minus strand). Cytogenetic location: 12q24.33.
Variant type: single nucleotide variant.
Coding change: c.3089T>G on transcript NM_006231.4 (MANE Select); coding-DNA position 3089, T replaced by G.
Protein change: p.Phe1030Cys; replaces phenylalanine 1030 with cysteine.
Molecular consequence: missense variant.
Genome position (GRCh38, 1-based): chr12:132,659,481, A>C on the plus strand (T>G on the coding strand, the complement: POLE is on the minus strand). VCF-style: chr12-132659481-A-C. GRCh37 (hg19) VCF-style: chr12-133236067-A-C.
Other names: short protein forms F1030C.
Identifiers: ClinVar variation 1399842 (VCV001399842.8), dbSNP rs1565956275, ClinGen allele CA387391772.

ClinVar aggregate classification (germline): Uncertain significance (1 of 4 stars; one submission).

Submission:

Labcorp Genetics (formerly Invitae), Labcorp
Classification: Uncertain significance. Last evaluated: 2021-06-07. Review status: criteria provided, single submitter. Criteria: Invitae Variant Classification Sherloc (09022015). Collection method: clinical testing. Allele origin: germline.
Comment: In summary, the available evidence is currently insufficient to determine the role of this variant in disease. Therefore, it has been classified as a Variant of Uncertain Significance. This sequence change replaces phenylalanine with cysteine at codon 1030 of the POLE protein (p.Phe1030Cys). The phenylalanine residue is highly conserved and there is a large physicochemical difference between phenylalanine and cysteine. This variant is not present in population databases (ExAC no frequency). This variant has not been reported in the literature in individuals with POLE-related conditions. Algorithms developed to predict the effect of missense changes on protein structure and function (SIFT, PolyPhen-2, Align-GVGD) all suggest that this variant is likely to be disruptive, but these predictions have not been confirmed by published functional studies and their clinical significance is uncertain.